The following is an entry in ClinVar:

NM_000283.4(PDE6B):c.1498G>C (p.Asp500His)

Gene: PDE6B (phosphodiesterase 6B; plus strand). Cytogenetic location: 4p16.3.
Variant type: single nucleotide variant.
Coding change: c.1498G>C on transcript NM_000283.4 (MANE Select); coding-DNA position 1498, G replaced by C.
Protein change: p.Asp500His; replaces aspartic acid 500 with histidine.
Molecular consequence: missense variant.
Genome position (GRCh38, 1-based): chr4:660,497, G>C. VCF-style: chr4-660497-G-C. GRCh37 (hg19) VCF-style: chr4-654286-G-C.
Other names: c.1498G>C, p.Asp500His (NM_001145291.2); c.661G>C, p.Asp221His (NM_001145292.2, NM_001350154.3, NM_001379246.1 and 1 more transcripts); c.343G>C, p.Asp115His (NM_001350155.3); short protein forms D115H, D221H, D500H.
Identifiers: ClinVar variation 1011269 (VCV001011269.9), dbSNP rs1287509484, ClinGen allele CA355915823.

ClinVar aggregate classification (germline): Uncertain significance (1 of 4 stars; one submission).

Allele frequency attached by ClinVar (database versions not stated): gnomAD exomes below 0.00001.
gnomAD v4.1: 1 of 1,613,924 alleles (0.000062%); highest among the groups gnomAD compares: Admixed American, 0.0017%; no homozygotes.

Submission:

Labcorp Genetics (formerly Invitae), Labcorp
Classification: Uncertain significance. Last evaluated: 2025-12-08. Review status: criteria provided, single submitter. Criteria: Invitae Variant Classification Sherloc (09022015). Collection method: clinical testing. Allele origin: germline.
Comment: This sequence change replaces aspartic acid, which is acidic and polar, with histidine, which is basic and polar, at codon 500 of the PDE6B protein (p.Asp500His). This variant is present in population databases (no rsID available, gnomAD 0.003%). This variant has not been reported in the literature in individuals affected with PDE6B-related conditions. ClinVar contains an entry for this variant (Variation ID: 1011269). Invitae Evidence Modeling of protein sequence and biophysical properties (such as structural, functional, and spatial information, amino acid conservation, physicochemical variation, residue mobility, and thermodynamic stability) indicates that this missense variant is not expected to disrupt PDE6B protein function with a negative predictive value of 95%. In summary, the available evidence is currently insufficient to determine the role of this variant in disease. Therefore, it has been classified as a Variant of Uncertain Significance.